The following is an entry in ClinVar:

ClinVar aggregate classification (germline): Uncertain significance. Review status: criteria provided, multiple submitters, no conflicts (2 of 4 stars). 2 submissions from 2 submitters: Uncertain significance (2). Last evaluated 2025-05-21.

Conditions:
Inborn genetic diseases. Identifiers: MedGen C0950123, MeSH D030342.

gnomAD v4.1: 1 of 1,614,132 alleles (0.000062%); highest among the groups gnomAD compares: Non-Finnish European, 0.000085%; no homozygotes.

Submissions (2):

GeneDx
Classification: Uncertain significance. Last evaluated: 2025-05-21. Review status: criteria provided, single submitter. Criteria: GeneDx Variant Classification Process June 2021. Collection method: clinical testing. Allele origin: germline. Affected: yes.
Comment: Not observed at significant frequency in large population cohorts (gnomAD); In silico analysis suggests that this missense variant does not alter protein structure/function; Has not been previously published as pathogenic or benign to our knowledge

Ambry Genetics
Classification: Uncertain significance for Inborn genetic diseases. Last evaluated: 2021-09-16. Review status: criteria provided, single submitter. Criteria: Ambry Variant Classification Scheme 2023. Collection method: clinical testing. Allele origin: germline.

NM_001372066.1(TFAP2A):c.1099A>C (p.Asn367His)

Gene: TFAP2A (transcription factor AP-2 alpha; minus strand). Cytogenetic location: 6p24.3.
Variant type: single nucleotide variant.
Coding change: c.1099A>C on transcript NM_001372066.1 (MANE Select); coding-DNA position 1099, A replaced by C.
Protein change: p.Asn367His; replaces asparagine 367 with histidine.
Molecular consequence: missense variant.
Genome position (GRCh38, 1-based): chr6:10,398,638, T>G on the plus strand (A>C on the coding strand, the complement: TFAP2A is on the minus strand). VCF-style: chr6-10398638-T-G. GRCh37 (hg19) VCF-style: chr6-10398871-T-G.
Other names: NM_003220.2:c.1093A>C; c.1075A>C, p.Asn359His (NM_001032280.3); c.1081A>C, p.Asn361His (NM_001042425.3); short protein forms N367H, N361H, N359H.
Identifiers: ClinVar variation 2221031 (VCV002221031.3), dbSNP rs1479064980, ClinGen allele CA362699370.